The following is an entry in ClinVar:

NM_000396.4(CTSK):c.493del (p.Gln165fs)

Gene: CTSK (cathepsin K; minus strand). Cytogenetic location: 1q21.3.
Variant type: Deletion.
Coding change: c.493del on transcript NM_000396.4 (MANE Select); coding-DNA position 493, one base deleted (C; older notation c.493delC).
Protein change: p.Gln165fs; shifts the reading frame from glutamine 165.
Molecular consequence: frameshift variant.
Genome position (GRCh38, 1-based): chr1:150,804,146, G deleted on the plus strand (C on the coding strand, the reverse complement: CTSK is on the minus strand); the first of 4 consecutive G bases (chr1:150,804,146-150,804,149); deleting any one gives the same sequence. VCF-style (leftmost placement, unchanged base first): chr1-150804145-TG-T. GRCh37 (hg19) VCF-style: chr1-150776621-TG-T.
Other names: short protein forms Q165fs.
Identifiers: ClinVar variation 1073792 (VCV001073792.8), dbSNP rs1654043546, ClinGen allele CA2499214166.

ClinVar aggregate classification (germline): Pathogenic. Review status: criteria provided, multiple submitters, no conflicts (2 of 4 stars). 2 submissions from 2 submitters: Pathogenic (2). Last evaluated 2025-04-04.

Conditions:
Pyknodysostosis. Also called: Pycnodysostosis. Identifiers: Orphanet 763, MedGen C0238402, MONDO:0009940, OMIM 265800.

Submissions (2):

Myriad Genetics, Inc.
Classification: Pathogenic for Pyknodysostosis. Last evaluated: 2025-04-04. Review status: criteria provided, single submitter. Criteria: Myriad Autosomal Dominant, Autosomal Recessive and X-Linked Classification Criteria (2023). Collection method: clinical testing. Allele origin: unknown.
Comment: NM_000396.3(CTSK):c.493delC(Q165Rfs*3) is a frameshift variant classified as pathogenic in the context of pycnodysostosis. Q165Rfs*3 has not been observed in cases with relevant disease. Relevant functional assessments of this variant are not available in the literature. Q165Rfs*3 has not been observed in referenced population frequency databases. In summary, NM_000396.3(CTSK):c.493delC(Q165Rfs*3) is a frameshift variant in a gene where loss of function is a known mechanism of disease and is predicted to disrupt protein function. Please note: this variant was assessed in the context of healthy population screening.

Labcorp Genetics (formerly Invitae), Labcorp
Classification: Pathogenic. Last evaluated: 2022-08-27. Review status: criteria provided, single submitter. Criteria: Invitae Variant Classification Sherloc (09022015). Collection method: clinical testing. Allele origin: germline.
Comment: For these reasons, this variant has been classified as Pathogenic. ClinVar contains an entry for this variant (Variation ID: 1073792). This sequence change creates a premature translational stop signal (p.Gln165Argfs*3) in the CTSK gene. It is expected to result in an absent or disrupted protein product. Loss-of-function variants in CTSK are known to be pathogenic (PMID: 12125807, 21569238). This variant has not been reported in the literature in individuals affected with CTSK-related conditions. This variant is not present in population databases (gnomAD no frequency).

Literature cited by the submitters: PubMed 12125807 (cited by Labcorp Genetics (formerly Invitae), Labcorp); PubMed 21569238 (cited by Labcorp Genetics (formerly Invitae), Labcorp).